The following is an entry in ClinVar:

ClinVar aggregate classification (germline): Conflicting classifications of pathogenicity. Review status: criteria provided, conflicting classifications (1 of 4 stars). 2 submissions from 2 submitters: Uncertain significance (1); Likely benign (1). Last evaluated 2025-02-14.

Conditions:
Cardiovascular phenotype. Identifiers: MedGen CN230736.
Myofibrillar myopathy 5. Also called: FILAMINOPATHY, AUTOSOMAL DOMINANT; Filaminopathy (type). Identifiers: Orphanet 171445, MedGen C1836050, MONDO:0012289, OMIM 609524.
Hypertrophic cardiomyopathy 26. Also called: Cardiomyopathy, familial hypertrophic, 26. Identifiers: Orphanet 75249, MedGen C4310749, MONDO:0014883, OMIM 617047.
Distal myopathy with posterior leg and anterior hand involvement. Also called: WILLIAMS DISTAL MYOPATHY. Identifiers: Orphanet 63273, MedGen C3279722, MONDO:0013550, OMIM 614065.

Allele frequency attached by ClinVar (database versions not stated): TOPMed 0.00002.

Submissions (2):

Ambry Genetics
Classification: Uncertain significance for Cardiovascular phenotype. Last evaluated: 2025-02-14. Review status: criteria provided, single submitter. Criteria: Ambry Variant Classification Scheme 2023. Collection method: clinical testing. Allele origin: germline.
Comment: The c.3465G>A variant (also known as p.P1155P), located in coding exon 21 of the FLNC gene, results from a G to A substitution at nucleotide position 3465. This nucleotide substitution does not change the amino acid at codon 1155. This nucleotide position is poorly conserved in available vertebrate species. In silico splice site analysis for this alteration is inconclusive. Since supporting evidence is limited at this time, the clinical significance of this alteration remains unclear.

Labcorp Genetics (formerly Invitae), Labcorp
Classification: Likely benign for Distal myopathy with posterior leg and anterior hand involvement; Myofibrillar myopathy 5; Hypertrophic cardiomyopathy 26. Last evaluated: 2024-03-26. Review status: criteria provided, single submitter. Criteria: Invitae Variant Classification Sherloc (09022015). Collection method: clinical testing. Allele origin: germline.

NM_001458.5(FLNC):c.3465G>A (p.Pro1155=)

Gene: FLNC (filamin C; plus strand). Cytogenetic location: 7q32.1.
Variant type: single nucleotide variant.
Coding change: c.3465G>A on transcript NM_001458.5 (MANE Select); coding-DNA position 3465, G replaced by A.
Protein change: p.Pro1155=; no amino-acid change (proline 1155 retained).
Molecular consequence: synonymous variant.
Genome position (GRCh38, 1-based): chr7:128,844,930, G>A. VCF-style: chr7-128844930-G-A. GRCh37 (hg19) VCF-style: chr7-128484984-G-A.
Other names: c.3465G>A, p.Pro1155= (NM_001127487.2).
Identifiers: ClinVar variation 741875 (VCV000741875.14), dbSNP rs374686347, ClinGen allele CA4475048.